The following is an entry in ClinVar:

ClinVar aggregate classification (germline): Conflicting classifications of pathogenicity. Review status: criteria provided, conflicting classifications (1 of 4 stars). 2 submissions from 2 submitters: Likely pathogenic (1); Uncertain significance (1). Last evaluated 2024-07-23.

Conditions:
PKD1-related disorder. Also called: PKD1-related condition.
Polycystic kidney disease, adult type (PKD1). Also called: Polycystic Kidney Disease 1, Autosomal Dominant; Polycystic kidney disease 1; Polycystic kidney disease 1, severe; POLYCYSTIC KIDNEY DISEASE 1 WITH OR WITHOUT POLYCYSTIC LIVER DISEASE; POLYCYSTIC KIDNEY DISEASE, ADULT, TYPE I; Polycystic Kidney, Autosomal Dominant. Identifiers: MedGen C3149841, MONDO:0008263, OMIM 173900.

Submissions (2):

Blueprint Genetics
Classification: Likely pathogenic for PKD1-related disorders. Last evaluated: 2024-07-23. Review status: criteria provided, single submitter. Criteria: ACMG Guidelines, 2015. Collection method: clinical testing. Allele origin: germline. Affected: yes. Observed: 2 variant alleles.

Juno Genomics, Hangzhou Juno Genomics, Inc
Classification: Uncertain significance for Polycystic kidney disease, adult type. Review status: criteria provided, single submitter. Criteria: ACMG Guidelines, 2015. Collection method: clinical testing. Allele origin: germline. Affected: yes.
Comment: Absent from controls (or at extremely low frequency if recessive) in Genome Aggregation Database, Exome Sequencing Project, 1000 Genomes Project, or Exome Aggregation Consortium.;Protein length changes due to in-frame deletions/insertions in a non-repeat region or stop-loss variants.;The prevalence of the variant in affected individuals is significantly increased compared to the prevalence in controls.;Patient's phenotype or family history is highly specific for a disease with a single genetic etiology.

NM_001009944.3(PKD1):c.6218_6220del (p.Thr2073del)

Gene: PKD1 (polycystin 1, transient receptor potential channel interacting; minus strand). Cytogenetic location: 16p13.3.
Variant type: Deletion.
Coding change: c.6218_6220del on transcript NM_001009944.3 (MANE Select); coding-DNA positions 6218 to 6220, 3 bases deleted (CCA; older notation c.6218_6220delCCA).
Protein change: p.Thr2073del; deletes threonine 2073.
Molecular consequence: inframe deletion.
Genome position (GRCh38, 1-based): chr16:2,108,947-2,108,949, TGG deleted on the plus strand (CCA on the coding strand, the reverse complement: PKD1 is on the minus strand); deleting any 3 consecutive bases within chr16:2,108,947-2,108,951 gives the same sequence; the c. name uses the placement nearest the transcript's 3' end. VCF-style (leftmost placement, unchanged base first): chr16-2108946-TTGG-T. GRCh37 (hg19) VCF-style: chr16-2158947-TTGG-T.
Other names: c.6218_6220del, p.Thr2073del (NM_000296.4); short protein forms T2073del.
Identifiers: ClinVar variation 3382282 (VCV003382282.3).